The following is an entry in ClinVar:

ClinVar aggregate classification (germline): Uncertain significance (1 of 4 stars; one submission).

Submission:

GeneDx
Classification: Uncertain significance. Last evaluated: 2024-03-29. Review status: criteria provided, single submitter. Criteria: GeneDx Variant Classification Process June 2021. Collection method: clinical testing. Allele origin: germline. Affected: yes.
Comment: Not observed at significant frequency in large population cohorts (gnomAD); In silico analysis supports that this missense variant does not alter protein structure/function; Has not been previously published as pathogenic or benign to our knowledge

NM_006005.3(WFS1):c.2617G>A (p.Gly873Ser)

Gene: WFS1 (wolframin ER transmembrane glycoprotein; plus strand). Cytogenetic location: 4p16.1.
Variant type: single nucleotide variant.
Coding change: c.2617G>A on transcript NM_006005.3 (MANE Select); coding-DNA position 2617, G replaced by A.
Protein change: p.Gly873Ser; replaces glycine 873 with serine.
Molecular consequence: missense variant.
Genome position (GRCh38, 1-based): chr4:6,302,412, G>A. VCF-style: chr4-6302412-G-A. GRCh37 (hg19) VCF-style: chr4-6304139-G-A.
Other names: c.2617G>A, p.Gly873Ser (NM_001145853.1); short protein forms G873S.
Identifiers: ClinVar variation 3343945 (VCV003343945.1).